The following is an entry in ClinVar:

ClinVar aggregate classification (germline): Uncertain significance. Review status: criteria provided, multiple submitters, no conflicts (2 of 4 stars). 2 submissions from 2 submitters: Uncertain significance (2). Last evaluated 2024-08-02.

Conditions:
Intellectual developmental disorder, autosomal dominant 1. Also called: Intellectual disability, autosomal dominant 1; MBD5 Haploinsufficiency. Identifiers: Orphanet 228402, MedGen C1969562, MONDO:0007974, OMIM 156200.

Allele frequency attached by ClinVar (database versions not stated): TOPMed 0.00002.

Submissions (2):

Laboratorio de Genetica e Diagnostico Molecular, Hospital Israelita Albert Einstein
Classification: Uncertain significance for Intellectual developmental disorder, autosomal dominant 1. Last evaluated: 2024-08-02. Review status: criteria provided, single submitter. Criteria: ACMG Guidelines, 2015. Collection method: clinical testing. Allele origin: germline. Affected: yes.
Comment: ACMG classification criteria: PM2 supporting, BP4 supporting

Mendelics
Classification: Uncertain significance for Intellectual developmental disorder, autosomal dominant 1. Last evaluated: 2019-05-28. Review status: criteria provided, single submitter. Criteria: Mendelics Assertion Criteria 2017. Collection method: clinical testing. Allele origin: unknown.

NM_001378120.1(MBD5):c.4540G>C (p.Glu1514Gln)

Gene: MBD5 (methyl-CpG binding domain protein 5; plus strand). Cytogenetic location: 2q23.1.
Variant type: single nucleotide variant.
Coding change: c.4540G>C on transcript NM_001378120.1 (MANE Select); coding-DNA position 4540, G replaced by C.
Protein change: p.Glu1514Gln; replaces glutamic acid 1514 with glutamine.
Molecular consequence: missense variant.
Genome position (GRCh38, 1-based): chr2:148,490,172, G>C. VCF-style: chr2-148490172-G-C. GRCh37 (hg19) VCF-style: chr2-149247741-G-C.
Other names: c.3841G>C, p.Glu1281Gln (NM_018328.5); short protein forms E1281Q, E1514Q.
Identifiers: ClinVar variation 801760 (VCV000801760.2), dbSNP rs1296916399, ClinGen allele CA348729490.
Genomic context (GRCh38, chr2:148,490,172, plus strand): 5'-GAGGAAAATTTCAGGTATAATAACTACAAAAGAACTATGATGAGTTTTAAGGAGAGACTA[G>C]AGAACACTGTGGAAAGATGTGCACACATAAATGGGAATAGACCTCGACAGAGTCGGGGAT-3'
Protein context (NP_001365049.1, residues 1504-1524): RTMMSFKERL[Glu1514Gln]NTVERCAHIN